The following is an entry in ClinVar:

ClinVar aggregate classification (germline): Uncertain significance (1 of 4 stars; one submission).

Submission:

Labcorp Genetics (formerly Invitae), Labcorp
Classification: Uncertain significance. Last evaluated: 2024-01-14. Review status: criteria provided, single submitter. Criteria: Invitae Variant Classification Sherloc (09022015). Collection method: clinical testing. Allele origin: germline.
Comment: This sequence change creates a premature translational stop signal (p.His564Glnfs*5) in the SLCO5A1 gene. It is expected to result in an absent or disrupted protein product. However, the current clinical and genetic evidence is not sufficient to establish whether loss-of-function variants in SLCO5A1 cause disease. This variant is not present in population databases (gnomAD no frequency). This variant has not been reported in the literature in individuals affected with SLCO5A1-related conditions. In summary, the available evidence is currently insufficient to determine the role of this variant in disease. Therefore, it has been classified as a Variant of Uncertain Significance.

NM_030958.3(SLCO5A1):c.1691_1692insACCA (p.His564fs)

Gene: SLCO5A1 (solute carrier organic anion transporter family member 5A1; minus strand). Cytogenetic location: 8q13.3.
Variant type: Insertion.
Coding change: c.1691_1692insACCA on transcript NM_030958.3 (MANE Select); coding-DNA positions 1691 to 1692, ACCA inserted.
Protein change: p.His564fs; shifts the reading frame from histidine 564.
Molecular consequence: frameshift variant.
Genome position: GRCh38 VCF-style: chr8-69682274-G-GTGGT. GRCh37 (hg19) VCF-style: chr8-70594509-G-GTGGT.
Other names: c.1691_1692insACCA, p.His564fs (NM_001146008.2); c.1526_1527insACCA, p.His509fs (NM_001146009.1); short protein forms H509fs, H564fs.
Identifiers: ClinVar variation 2694844 (VCV002694844.3), dbSNP rs2487284263, ClinGen allele CA2697549960.
Genomic context (GRCh38, chr8:69,682,274, plus strand): 5'-GCCAGCCAGACAAGGGTTAAAGTATGTAATTCCATCTGATCCACAGACTGGCTCATACTC[G>GTGGT]TGTATTTTACAACCACAATTAACGTTGCAGCTTCCTGTCAGATTCCTATGGGGCATGGTG-3'